The following is an entry in ClinVar:

NM_000521.4(HEXB):c.1214G>A (p.Trp405Ter)

Gene: HEXB (hexosaminidase subunit beta; plus strand). Cytogenetic location: 5q13.3.
Variant type: single nucleotide variant.
Coding change: c.1214G>A on transcript NM_000521.4 (MANE Select); coding-DNA position 1214, G replaced by A.
Protein change: p.Trp405Ter; replaces tryptophan 405 with a stop codon.
Molecular consequence: nonsense.
Genome position (GRCh38, 1-based): chr5:74,718,335, G>A. VCF-style: chr5-74718335-G-A. GRCh37 (hg19) VCF-style: chr5-74014160-G-A.
Other names: c.539G>A, p.Trp180Ter (NM_001292004.2); short protein forms W180*, W405*.
Identifiers: ClinVar variation 4886668 (VCV004886668.2).

ClinVar aggregate classification (germline): Likely pathogenic (1 of 4 stars; one submission).

Submission:

Dasa
Classification: Likely pathogenic. Last evaluated: 2025-08-17. Review status: criteria provided, single submitter. Criteria: DASA Assertion Criteria. Collection method: clinical testing. Allele origin: germline.
Comment: NM_000521.4(HEXB):c.1214G>A (p.Trp405*) is a nonsense variant in HEXB predicted to introduce a premature termination codon and is predicted to result in an absent or altered protein product. Loss of function is an established disease mechanism for HEXB-associated disorders. Also, this variant is absent from population databases. Based on the currently available evidence, this variant is classified as likely pathogenic.